The following is an entry in ClinVar:

NM_002474.3(MYH11):c.4381A>G (p.Lys1461Glu)

Genes: NDE1 (nudE neurodevelopment protein 1; plus strand), MYH11 (myosin heavy chain 11; minus strand). Cytogenetic location: 16p13.11.
Variant type: single nucleotide variant.
Coding change: c.4381A>G on transcript NM_002474.3 (MANE Select); coding-DNA position 4381, A replaced by G.
Protein change: p.Lys1461Glu; replaces lysine 1461 with glutamic acid.
Molecular consequence: missense variant. On other transcripts: intron variant (2).
Genome position (GRCh38, 1-based): chr16:15,721,619, T>C on the plus strand (A>G on the coding strand, the complement: MYH11 is on the minus strand). VCF-style: chr16-15721619-T-C. GRCh37 (hg19) VCF-style: chr16-15815476-T-C.
Other names: c.4402A>G, p.Lys1468Glu (NM_001040113.2, NM_001040114.2); c.948-2572T>C (NM_017668.3, NM_001143979.2); c.4381A>G, p.Lys1461Glu (NM_022844.3); short protein forms K1461E, K1468E.
Identifiers: ClinVar variation 3074483 (VCV003074483.1), dbSNP rs2040489167, ClinGen allele CA394855631.

ClinVar aggregate classification (germline): Uncertain significance (1 of 4 stars; one submission).

Conditions:
Familial thoracic aortic aneurysm and aortic dissection (TAAD). Also called: Thoracic aortic aneurysms and dissections. Identifiers: Orphanet 91387, MedGen C4707243, MONDO:0019625.

Allele frequency attached by ClinVar (database versions not stated): gnomAD exomes below 0.00001; TOPMed 0.00001.
gnomAD v4.1: 4 of 1,614,190 alleles (0.00025%); highest among the groups gnomAD compares: Non-Finnish European, 0.00034%; no homozygotes.

Submission:

All of Us Research Program, National Institutes of Health
Classification: Uncertain significance for Familial thoracic aortic aneurysm and aortic dissection. Last evaluated: 2023-11-20. Review status: criteria provided, single submitter. Criteria: ACMG Guidelines, 2015. Collection method: clinical testing. Allele origin: germline. Inheritance: Autosomal dominant inheritance. Observed: 1 variant allele, 1 heterozygote.
Comment: This missense variant replaces lysine with glutamic acid at codon 1468 of the MYH11 protein. Computational prediction suggests that this variant may have deleterious impact on protein structure and function (internally defined REVEL score threshold >= 0.7, PMID: 27666373). To our knowledge, functional studies have not been reported for this variant. This variant has not been reported in individuals affected with MYH11-related disorders in the literature. This variant has not been identified in the general population by the Genome Aggregation Database (gnomAD). The available evidence is insufficient to determine the role of this variant in disease conclusively. Therefore, this variant is classified as a Variant of Uncertain Significance.

This study involves interpretation of variants in research participants for the purpose of population health screening. Participant phenotype was not available at the time of variant classification. Additional details can be found in publication PMID: 35346344, PMCID: PMC8962531